The following is an entry in ClinVar:

ClinVar aggregate classification (germline): Uncertain significance (1 of 4 stars; one submission).

gnomAD v4.1: 1 of 1,614,148 alleles (0.000062%); highest among the groups gnomAD compares: African/African-American, 0.0013%; no homozygotes.

Submission:

Labcorp Genetics (formerly Invitae), Labcorp
Classification: Uncertain significance. Last evaluated: 2024-06-19. Review status: criteria provided, single submitter. Criteria: Invitae Variant Classification Sherloc (09022015). Collection method: clinical testing. Allele origin: germline.
Comment: This sequence change replaces phenylalanine, which is neutral and non-polar, with serine, which is neutral and polar, at codon 214 of the ERCC3 protein (p.Phe214Ser). This variant is not present in population databases (gnomAD no frequency). This variant has not been reported in the literature in individuals affected with ERCC3-related conditions. Advanced modeling of protein sequence and biophysical properties (such as structural, functional, and spatial information, amino acid conservation, physicochemical variation, residue mobility, and thermodynamic stability) performed at Invitae indicates that this missense variant is not expected to disrupt ERCC3 protein function with a negative predictive value of 80%. In summary, the available evidence is currently insufficient to determine the role of this variant in disease. Therefore, it has been classified as a Variant of Uncertain Significance.

NM_000122.2(ERCC3):c.641T>C (p.Phe214Ser)

Gene: ERCC3 (ERCC excision repair 3, TFIIH core complex helicase subunit; minus strand). Cytogenetic location: 2q14.3.
Variant type: single nucleotide variant.
Coding change: c.641T>C on transcript NM_000122.2 (MANE Select); coding-DNA position 641, T replaced by C.
Protein change: p.Phe214Ser; replaces phenylalanine 214 with serine.
Molecular consequence: missense variant.
Genome position (GRCh38, 1-based): chr2:127,289,705, A>G on the plus strand (T>C on the coding strand, the complement: ERCC3 is on the minus strand). VCF-style: chr2-127289705-A-G. GRCh37 (hg19) VCF-style: chr2-128047281-A-G.
Other names: c.449T>C, p.Phe150Ser (NM_001303416.2, NM_001303418.2); short protein forms F150S, F214S.
Identifiers: ClinVar variation 3668771 (VCV003668771.2).